The following is an entry in ClinVar:

ClinVar aggregate classification (germline): Pathogenic (1 of 4 stars; one submission).

Conditions:
Leigh syndrome (NULS). Also called: Leigh's necrotizing encephalopathy; Leigh's disease; Leigh Syndrome (mtDNA deletion); Leigh's syndrome; LEIGH SYNDROME, NUCLEAR; Leigh Disease. Identifiers: Orphanet 506, MedGen C2931891, MONDO:0009723, OMIM 256000.

Submission:

Labcorp Genetics (formerly Invitae), Labcorp
Classification: Pathogenic for Leigh syndrome. Last evaluated: 2026-01-28. Review status: criteria provided, single submitter. Criteria: Invitae Variant Classification Sherloc (09022015). Collection method: clinical testing. Allele origin: germline.
Comment: This variant results in the deletion of part of exon 8 (c.830_833+4del) of the SURF1 gene. While this variant is not anticipated to result in nonsense mediated decay, it likely alters RNA splicing and results in a disrupted protein product. This variant is not present in population databases (gnomAD no frequency). This variant has not been reported in the literature in individuals affected with SURF1-related conditions. Variants that disrupt the consensus splice site are a relatively common cause of aberrant splicing (PMID: 17576681, 9536098). This variant disrupts a region of the SURF1 protein in which other variant(s) (p.Lys291*) have been determined to be pathogenic (PMID: 9837813, 25111564, 27756633). This suggests that this is a clinically significant region of the protein, and that variants that disrupt it are likely to be disease-causing. For these reasons, this variant has been classified as Pathogenic.

Literature cited by the submitters: PubMed 17576681; PubMed 9536098; PubMed 9837813; PubMed 25111564; PubMed 27756633.

NM_003172.4(SURF1):c.830_833+4del

Gene: SURF1 (SURF1 cytochrome c oxidase assembly factor; minus strand). Cytogenetic location: 9q34.2.
Variant type: Deletion.
Coding change: c.830_833+4del on transcript NM_003172.4 (MANE Select); coding-DNA position 830 through 4 bases into the intron after coding-DNA position 833, 8 bases deleted (CCTGGTGA; older notation c.830_833+4delCCTGGTGA).
Molecular consequence: splice donor variant.
Genome position (GRCh38, 1-based): chr9:133,352,057-133,352,064, TCACCAGG deleted on the plus strand (CCTGGTGA on the coding strand, the reverse complement: SURF1 is on the minus strand); deleting any 8 consecutive bases within chr9:133,352,057-133,352,068 gives the same sequence; the c. name uses the placement nearest the transcript's 3' end. VCF-style (leftmost placement, unchanged base first): chr9-133352056-CTCACCAGG-C. GRCh37 (hg19) VCF-style: chr9-136218911-CTCACCAGG-C.
Other names: c.503_506+4del (NM_001280787.1).
Identifiers: ClinVar variation 4736381 (VCV004736381.1).